The following is an entry in ClinVar:

NM_007186.6(CEP250):c.4196G>C (p.Arg1399Pro)

Gene: CEP250 (centrosomal protein 250; plus strand). Cytogenetic location: 20q11.22.
Variant type: single nucleotide variant.
Coding change: c.4196G>C on transcript NM_007186.6 (MANE Select); coding-DNA position 4196, G replaced by C.
Protein change: p.Arg1399Pro; replaces arginine 1399 with proline.
Molecular consequence: missense variant.
Genome position (GRCh38, 1-based): chr20:35,502,565, G>C. VCF-style: chr20-35502565-G-C. GRCh37 (hg19) VCF-style: chr20-34090393-G-C.
Other names: c.2300G>C, p.Arg767Pro (NM_001318219.1); short protein forms R1399P, R767P.
Identifiers: ClinVar variation 1518200 (VCV001518200.5), dbSNP rs772173920, ClinGen allele CA408747635.
Genomic context (GRCh38, chr20:35,502,565, plus strand): 5'-AAGACCTGAGAACGGCTCGCTCAGCACTGAAGCTGAAAAATGAGGAAGTAGAGAGTGAGC[G>C]TGAGAGAGCCCAGGCTCTGCAAGAGCAGGGCGAACTGAAGGTGGCCCAAGGGAAGGCTCT-3'
Protein context (NP_009117.2, residues 1389-1409): KLKNEEVESE[Arg1399Pro]ERAQALQEQG

ClinVar aggregate classification (germline): Uncertain significance (1 of 4 stars; one submission).

gnomAD v4.1: 3 of 1,614,080 alleles (0.00019%); highest among the groups gnomAD compares: African/African-American, 0.0013%; no homozygotes.

Submission:

Labcorp Genetics (formerly Invitae), Labcorp
Classification: Uncertain significance. Last evaluated: 2022-10-25. Review status: criteria provided, single submitter. Criteria: Invitae Variant Classification Sherloc (09022015). Collection method: clinical testing. Allele origin: germline.
Comment: This sequence change replaces arginine, which is basic and polar, with proline, which is neutral and non-polar, at codon 1399 of the CEP250 protein (p.Arg1399Pro). This variant is present in population databases (no rsID available, gnomAD 0.01%). This variant has not been reported in the literature in individuals affected with CEP250-related conditions. ClinVar contains an entry for this variant (Variation ID: 1518200). Algorithms developed to predict the effect of missense changes on protein structure and function are either unavailable or do not agree on the potential impact of this missense change (SIFT: "Not Available"; PolyPhen-2: "Probably Damaging"; Align-GVGD: "Not Available"). In summary, the available evidence is currently insufficient to determine the role of this variant in disease. Therefore, it has been classified as a Variant of Uncertain Significance.